The following is an entry in ClinVar:

ClinVar aggregate classification (germline): Pathogenic. Review status: criteria provided, multiple submitters, no conflicts (2 of 4 stars). 3 submissions from 3 submitters: Pathogenic (2). 1 of the submissions does not count toward it. Last evaluated 2025-05-05.

Conditions:
Trichothiodystrophy 4, nonphotosensitive. Also called: AMISH BRITTLE HAIR BRAIN SYNDROME; BIDS SYNDROME; Trichothiodystrophy nonphotosensitive; HAIR-BRAIN SYNDROME. Identifiers: MedGen C1313961, MONDO:0021013, OMIM 234050.

Allele frequency attached by ClinVar (database versions not stated): gnomAD exomes 0.00001 and 0.00002; TOPMed 0.00001; gnomAD 0.00002.

Submissions (3):

Labcorp Genetics (formerly Invitae), Labcorp
Classification: Pathogenic. Last evaluated: 2025-05-05. Review status: criteria provided, single submitter. Criteria: Invitae Variant Classification Sherloc (09022015). Collection method: clinical testing. Allele origin: germline.
Comment: This sequence change creates a premature translational stop signal (p.Ser93Profs*60) in the MPLKIP gene. While this is not anticipated to result in nonsense mediated decay, it is expected to disrupt the last 87 amino acid(s) of the MPLKIP protein. This variant is present in population databases (no rsID available, gnomAD 0.006%). This premature translational stop signal has been observed in individuals with trichothiodystrophy (PMID: 16977596, 25290684, 25606444). It has also been observed to segregate with disease in related individuals. ClinVar contains an entry for this variant (Variation ID: 1847). For these reasons, this variant has been classified as Pathogenic.

GeneDx
Classification: Pathogenic. Last evaluated: 2025-01-29. Review status: criteria provided, single submitter. Criteria: GeneDx Variant Classification Process June 2021. Collection method: clinical testing. Allele origin: germline. Affected: yes.
Comment: Frameshift variant predicted to result in abnormal protein length as the last 87 amino acid(s) are replaced with 59 different amino acid(s), and other similar variants have been reported in HGMD; This variant is associated with the following publications: (PMID: 31589614, 30598092, 16977596, 25606444, 25290684, 39118464)

OMIM
Classification: Pathogenic for TRICHOTHIODYSTROPHY 4, NONPHOTOSENSITIVE. Last evaluated: 2014-12-01. Review status: no assertion criteria provided. Collection method: literature only. Allele origin: germline. Not counted in ClinVar's aggregate classification.

Literature cited by the submitters: PubMed 16977596 (cited by Labcorp Genetics (formerly Invitae), Labcorp and OMIM); PubMed 25290684 (cited by Labcorp Genetics (formerly Invitae), Labcorp); PubMed 25606444 (cited by Labcorp Genetics (formerly Invitae), Labcorp and OMIM); PubMed 5645693 (cited by OMIM).

NM_138701.4(MPLKIP):c.277del (p.Ser93fs)

Gene: MPLKIP (M-phase specific PLK1 interacting protein; minus strand). Cytogenetic location: 7p14.1.
Variant type: Deletion.
Coding change: c.277del on transcript NM_138701.4 (MANE Select); coding-DNA position 277, one base deleted (T; older notation c.277delT).
Protein change: p.Ser93fs; shifts the reading frame from serine 93.
Molecular consequence: frameshift variant.
Genome position (GRCh38, 1-based): chr7:40,134,291, A deleted on the plus strand (T on the coding strand, the reverse complement: MPLKIP is on the minus strand). VCF-style (leftmost placement, unchanged base first): chr7-40134290-GA-G. GRCh37 (hg19) VCF-style: chr7-40173889-GA-G.
Other names: short protein forms S93fs.
Identifiers: ClinVar variation 1847 (VCV000001847.10), dbSNP rs587776532, ClinGen allele CA115224.